The following is an entry in ClinVar:

NM_004946.3(DOCK2):c.3568G>A (p.Gly1190Ser)

Gene: DOCK2 (dedicator of cytokinesis 2; plus strand). Cytogenetic location: 5q35.1.
Variant type: single nucleotide variant.
Coding change: c.3568G>A on transcript NM_004946.3 (MANE Select); coding-DNA position 3568, G replaced by A.
Protein change: p.Gly1190Ser; replaces glycine 1190 with serine.
Molecular consequence: missense variant. On other transcripts: non-coding transcript variant (1).
Genome position (GRCh38, 1-based): chr5:170,034,499, G>A. VCF-style: chr5-170034499-G-A. GRCh37 (hg19) VCF-style: chr5-169461503-G-A.
Other names: c.3568G>A, p.Gly1190Ser (LRG_1227t1); short protein forms G1190S.
Identifiers: ClinVar variation 661276 (VCV000661276.7), dbSNP rs777118797, ClinGen allele CA3554249.

ClinVar aggregate classification (germline): Uncertain significance. Review status: criteria provided, multiple submitters, no conflicts (2 of 4 stars). 2 submissions from 2 submitters: Uncertain significance (2). Last evaluated 2025-08-27.

Conditions:
Inborn genetic diseases. Identifiers: MedGen C0950123, MeSH D030342.
DOCK2 deficiency. Also called: Immunodeficiency 40. Identifiers: Orphanet 447737, MedGen C4225328, MONDO:0014637, OMIM 616433.

Allele frequency attached by ClinVar (database versions not stated): gnomAD 0.00001; ExAC 0.00002; gnomAD exomes 0.00002; TOPMed 0.00002.
gnomAD v4.1: 36 of 1,614,036 alleles (0.0022%); highest among the groups gnomAD compares: Non-Finnish European, 0.0029%; no homozygotes.

Submissions (2):

Ambry Genetics
Classification: Uncertain significance for Inborn genetic diseases. Last evaluated: 2025-08-27. Review status: criteria provided, single submitter. Criteria: Ambry Variant Classification Scheme 2023. Collection method: clinical testing. Allele origin: germline.

Labcorp Genetics (formerly Invitae), Labcorp
Classification: Uncertain significance for DOCK2 deficiency. Last evaluated: 2022-07-06. Review status: criteria provided, single submitter. Criteria: Invitae Variant Classification Sherloc (09022015). Collection method: clinical testing. Allele origin: germline.
Comment: This sequence change replaces glycine, which is neutral and non-polar, with serine, which is neutral and polar, at codon 1190 of the DOCK2 protein (p.Gly1190Ser). This variant is present in population databases (rs777118797, gnomAD 0.01%). This variant has not been reported in the literature in individuals affected with DOCK2-related conditions. ClinVar contains an entry for this variant (Variation ID: 661276). Algorithms developed to predict the effect of missense changes on protein structure and function (SIFT, PolyPhen-2, Align-GVGD) all suggest that this variant is likely to be tolerated. In summary, the available evidence is currently insufficient to determine the role of this variant in disease. Therefore, it has been classified as a Variant of Uncertain Significance.